The following is an entry in ClinVar:

NM_001385.3(DPYS):c.59C>G (p.Ser20Trp)

Gene: DPYS (dihydropyrimidinase; minus strand). Cytogenetic location: 8q22.3.
Variant type: single nucleotide variant.
Coding change: c.59C>G on transcript NM_001385.3 (MANE Select); coding-DNA position 59, C replaced by G.
Protein change: p.Ser20Trp; replaces serine 20 with tryptophan.
Molecular consequence: missense variant.
Genome position (GRCh38, 1-based): chr8:104,466,862, G>C on the plus strand (C>G on the coding strand, the complement: DPYS is on the minus strand). VCF-style: chr8-104466862-G-C. GRCh37 (hg19) VCF-style: chr8-105479090-G-C.
Other names: short protein forms S20W.
Identifiers: ClinVar variation 1360532 (VCV001360532.8), dbSNP rs975520378, ClinGen allele CA371939443.

ClinVar aggregate classification (germline): Uncertain significance (1 of 4 stars; one submission).

Submission:

Labcorp Genetics (formerly Invitae), Labcorp
Classification: Uncertain significance. Last evaluated: 2022-10-13. Review status: criteria provided, single submitter. Criteria: Invitae Variant Classification Sherloc (09022015). Collection method: clinical testing. Allele origin: germline.
Comment: In summary, the available evidence is currently insufficient to determine the role of this variant in disease. Therefore, it has been classified as a Variant of Uncertain Significance. Advanced modeling of protein sequence and biophysical properties (such as structural, functional, and spatial information, amino acid conservation, physicochemical variation, residue mobility, and thermodynamic stability) has been performed at Invitae for this missense variant, however the output from this modeling did not meet the statistical confidence thresholds required to predict the impact of this variant on DPYS protein function. ClinVar contains an entry for this variant (Variation ID: 1360532). This variant has not been reported in the literature in individuals affected with DPYS-related conditions. This variant is not present in population databases (gnomAD no frequency). This sequence change replaces serine, which is neutral and polar, with tryptophan, which is neutral and slightly polar, at codon 20 of the DPYS protein (p.Ser20Trp).